The following is an entry in ClinVar:

NM_001903.5(CTNNA1):c.1082G>A (p.Ser361Asn)

Gene: CTNNA1 (catenin alpha 1; plus strand). Cytogenetic location: 5q31.2.
Variant type: single nucleotide variant.
Coding change: c.1082G>A on transcript NM_001903.5 (MANE Select); coding-DNA position 1082, G replaced by A.
Protein change: p.Ser361Asn; replaces serine 361 with asparagine.
Molecular consequence: missense variant. On other transcripts: 5 prime UTR variant (26), intron variant (2).
Genome position (GRCh38, 1-based): chr5:138,886,231, G>A. VCF-style: chr5-138886231-G-A. GRCh37 (hg19) VCF-style: chr5-138221920-G-A.
Other names: c.1082G>A, p.Ser361Asn (NM_001290307.3, NM_001323982.2, NM_001323983.1 and 3 more transcripts); c.773G>A, p.Ser258Asn (NM_001290309.3); c.713G>A, p.Ser238Asn (NM_001290310.3); c.-29G>A (NM_001290312.1, NM_001323987.1, NM_001323988.1 and 18 more transcripts); c.-426G>A (NM_001324006.1, NM_001324007.1, NM_001324008.1 and 1 more transcripts); c.-301G>A (NM_001324013.1); c.-58+10634G>A (NM_001324012.1); c.-61+10634G>A (NM_001324010.1); and 1 more; short protein forms S258N, S238N, S361N.
Identifiers: ClinVar variation 841030 (VCV000841030.10), dbSNP rs1753992786, ClinGen allele CA361132508.

ClinVar aggregate classification (germline): Uncertain significance. Review status: criteria provided, multiple submitters, no conflicts (2 of 4 stars). 2 submissions from 2 submitters: Uncertain significance (2). Last evaluated 2025-07-16.

Conditions:
Hereditary cancer-predisposing syndrome. Also called: Hereditary Cancer Syndrome; Hereditary neoplastic syndrome; Tumor predisposition; Neoplastic Syndromes, Hereditary. Identifiers: Orphanet 140162, MedGen C0027672, MeSH D009386, MONDO:0015356.

Submissions (2):

Ambry Genetics
Classification: Uncertain significance for Hereditary cancer-predisposing syndrome. Last evaluated: 2025-07-16. Review status: criteria provided, single submitter. Criteria: Ambry Variant Classification Scheme 2023. Collection method: clinical testing. Allele origin: germline.
Comment: The p.S361N variant (also known as c.1082G>A), located in coding exon 7 of the CTNNA1 gene, results from a G to A substitution at nucleotide position 1082. The serine at codon 361 is replaced by asparagine, an amino acid with highly similar properties. This amino acid position is conserved. In addition, this alteration is predicted to be tolerated by in silico analysis. Based on the available evidence, the clinical significance of this variant remains unclear.

Labcorp Genetics (formerly Invitae), Labcorp
Classification: Uncertain significance. Last evaluated: 2020-11-27. Review status: criteria provided, single submitter. Criteria: Invitae Variant Classification Sherloc (09022015). Collection method: clinical testing. Allele origin: germline.
Comment: Algorithms developed to predict the effect of missense changes on protein structure and function are either unavailable or do not agree on the potential impact of this missense change (SIFT: "Deleterious"; PolyPhen-2: "Benign"; Align-GVGD: "Class C0"). This variant has not been reported in the literature in individuals with CTNNA1-related conditions. This variant is not present in population databases (ExAC no frequency). This sequence change replaces serine with asparagine at codon 361 of the CTNNA1 protein (p.Ser361Asn). The serine residue is highly conserved and there is a small physicochemical difference between serine and asparagine. In summary, the available evidence is currently insufficient to determine the role of this variant in disease. Therefore, it has been classified as a Variant of Uncertain Significance.